The following is an entry in ClinVar:

NM_130839.5(UBE3A):c.2131G>A (p.Val711Ile)

Genes: SNHG14 (small nucleolar RNA host gene 14; plus strand), UBE3A (ubiquitin protein ligase E3A; minus strand). Cytogenetic location: 15q11.2.
Variant type: single nucleotide variant.
Coding change: c.2131G>A on transcript NM_130839.5 (MANE Select); coding-DNA position 2131, G replaced by A.
Protein change: p.Val711Ile; replaces valine 711 with isoleucine.
Molecular consequence: missense variant. On other transcripts: non-coding transcript variant (1), intron variant (3).
Genome position (GRCh38, 1-based): chr15:25,354,677, C>T on the plus strand (G>A on the coding strand, the complement: UBE3A is on the minus strand). VCF-style: chr15-25354677-C-T. GRCh37 (hg19) VCF-style: chr15-25599824-C-T.
Other names: c.2140G>A, p.Val714Ile (NM_000462.5); c.2131G>A, p.Val711Ile (NM_001354505.1, NM_001354538.2); c.2071G>A, p.Val691Ile (NM_001354506.2, NM_001354507.2, NM_001354508.2 and 14 more transcripts); c.1954G>A, p.Val652Ile (NM_001354546.2); c.1906G>A, p.Val636Ile (NM_001354549.2); c.880G>A, p.Val294Ile (NM_001354550.2); c.820G>A, p.Val274Ile (NM_001354551.2); c.2065-251G>A (NM_001354548.2, NM_001354547.2); and 1 more; short protein forms V691I, V636I, V714I, V294I, V711I, V274I, V652I.
Identifiers: ClinVar variation 160217 (VCV000160217.10), dbSNP rs587784524, ClinGen allele CA173808.

ClinVar aggregate classification (germline): Conflicting classifications of pathogenicity. Review status: criteria provided, conflicting classifications (1 of 4 stars). 3 submissions from 3 submitters: Uncertain significance (2); Likely benign (1). Last evaluated 2024-08-10.

Conditions:
Inborn genetic diseases. Identifiers: MedGen C0950123, MeSH D030342.
Angelman syndrome (AS). Also called: HAPPY PUPPET SYNDROME. Identifiers: Orphanet 72, MedGen C0162635, MONDO:0007113, OMIM 105830. Disease mechanism: loss of function. Inheritance: AS is caused by disruption of maternally imprinted UBE3A located within the 15q11.2-q13 Angelman syndrome/Prader-Willi syndrome (AS/PWS) region., imprinting disorder.

Allele frequency attached by ClinVar (database versions not stated): gnomAD exomes below 0.00001; TOPMed below 0.00001; gnomAD 0.00001.
gnomAD v4.1: 4 of 1,612,222 alleles (0.00025%); highest among the groups gnomAD compares: Non-Finnish European, 0.00025%; no homozygotes.

Submissions (3):

Ambry Genetics
Classification: Uncertain significance for Inborn genetic diseases. Last evaluated: 2024-08-10. Review status: criteria provided, single submitter. Criteria: Ambry Variant Classification Scheme 2023. Collection method: clinical testing. Allele origin: germline.

Labcorp Genetics (formerly Invitae), Labcorp
Classification: Uncertain significance for Angelman syndrome. Last evaluated: 2024-06-11. Review status: criteria provided, single submitter. Criteria: Invitae Variant Classification Sherloc (09022015). Collection method: clinical testing. Allele origin: germline.
Comment: This sequence change replaces valine, which is neutral and non-polar, with isoleucine, which is neutral and non-polar, at codon 691 of the UBE3A protein (p.Val691Ile). This variant is present in population databases (rs587784524, gnomAD no frequency). This variant has not been reported in the literature in individuals affected with UBE3A-related conditions. ClinVar contains an entry for this variant (Variation ID: 160217). Advanced modeling of protein sequence and biophysical properties (such as structural, functional, and spatial information, amino acid conservation, physicochemical variation, residue mobility, and thermodynamic stability) has been performed at Invitae for this missense variant, however the output from this modeling did not meet the statistical confidence thresholds required to predict the impact of this variant on UBE3A protein function. In summary, the available evidence is currently insufficient to determine the role of this variant in disease. Therefore, it has been classified as a Variant of Uncertain Significance.

Genetic Services Laboratory, University of Chicago
Classification: Likely benign. Last evaluated: 2013-02-08. Review status: criteria provided, single submitter. Criteria: ACMG Guidelines, 2007. Collection method: clinical testing. Allele origin: germline. Inheritance: Autosomal dominant inheritance.